The following is an entry in ClinVar:

NM_014423.4(AFF4):c.3216G>A (p.Gly1072=)

Gene: AFF4 (ALF transcription elongation factor 4; minus strand). Cytogenetic location: 5q31.1.
Variant type: single nucleotide variant.
Coding change: c.3216G>A on transcript NM_014423.4 (MANE Select); coding-DNA position 3216, G replaced by A.
Protein change: p.Gly1072=; no amino-acid change (glycine 1072 retained).
Molecular consequence: synonymous variant.
Genome position (GRCh38, 1-based): chr5:132,883,488, C>T on the plus strand (G>A on the coding strand, the complement: AFF4 is on the minus strand). VCF-style: chr5-132883488-C-T. GRCh37 (hg19) VCF-style: chr5-132219180-C-T.
Identifiers: ClinVar variation 707434 (VCV000707434.35), dbSNP rs145016393, ClinGen allele CA3408707.
Genomic context (GRCh38, chr5:132,883,488, plus strand): 5'-CATCTGGTGGATCTTCTGTGGAATGGTCACTGAAGAACCACTTGCAGAAGCACTACTGGC[C>T]CCAGATGAATAATTTCCTGAATTGCCTGGTGACAGCTTTGGAGAAACAGGGGAAGGCATC-3'
Protein context (NP_055238.1, residues 1062-1082): SPGNSGNYSS[Gly1072=]ASSASASGSS

ClinVar aggregate classification (germline): Likely benign. Review status: criteria provided, multiple submitters, no conflicts (2 of 4 stars). 4 submissions from 4 submitters: Likely benign (3). 1 of the submissions does not count toward it. Last evaluated 2026-01-26.

Conditions:
Cognitive impairment - coarse facies - heart defects - obesity - pulmonary involvement - short stature - skeletal dysplasia syndrome. Also called: COGNITIVE IMPAIRMENT, COARSE FACIES, HEART DEFECTS, OBESITY, PULMONARY INVOLVEMENT, SHORT STATURE, AND SKELETAL DYSPLASIA; AFF4-Related CHOPS Syndrome; Chops syndrome. Identifiers: Orphanet 444077, MedGen C4085597, MONDO:0014609, OMIM 616368.
AFF4-related disorder. Also called: AFF4-related condition.

Allele frequency attached by ClinVar (database versions not stated): 1000 Genomes Project 0.00060; 1000 Genomes Project 30x 0.00062; ExAC 0.00069; gnomAD 0.00074; TOPMed 0.00078; ESP Exome Variant Server 0.00146.
gnomAD v4.1: 1,605 of 1,613,950 alleles (0.099%); highest among the groups gnomAD compares: Non-Finnish European, 0.12%; 3 homozygotes.

Submissions (4):

Labcorp Genetics (formerly Invitae), Labcorp
Classification: Likely benign for Cognitive impairment - coarse facies - heart defects - obesity - pulmonary involvement - short stature - skeletal dysplasia syndrome. Last evaluated: 2026-01-26. Review status: criteria provided, single submitter. Criteria: Invitae Variant Classification Sherloc (09022015). Collection method: clinical testing. Allele origin: germline.

CeGaT Center for Human Genetics Tuebingen
Classification: Likely benign. Last evaluated: 2022-12-01. Review status: criteria provided, single submitter. Criteria: CeGaT Center For Human Genetics Tuebingen Variant Classification Criteria Version 2. Collection method: clinical testing. Allele origin: germline. Affected: yes. Observed: 1 variant allele.
Comment: AFF4: BP4, BP7

Breakthrough Genomics
Classification: Likely benign. Review status: criteria provided, single submitter. Criteria: ACMG Guidelines, 2015. Collection method: not provided. Allele origin: germline. Inheritance: Autosomal dominant inheritance. Affected: yes.

PreventionGenetics, part of Exact Sciences
Classification: Likely benign for AFF4-related condition. Last evaluated: 2021-08-03. Review status: no assertion criteria provided. Collection method: clinical testing. Allele origin: germline. Not counted in ClinVar's aggregate classification.
Comment: This variant is classified as likely benign based on ACMG/AMP sequence variant interpretation guidelines (Richards et al. 2015 PMID: 25741868, with internal and published modifications).